The following is an entry in ClinVar:

ClinVar aggregate classification (germline): Uncertain significance (1 of 4 stars; one submission).

Conditions:
3-methylcrotonyl-CoA carboxylase 2 deficiency. Also called: 3 alpha methylcrotonyl-CoA carboxylase 2 deficiency; 3 alpha methylcrotonylglycinuria 2; MCC 2 deficiency; Methylcrotonylglycinuria type 2; METHYLCROTONYLGLYCINURIA, TYPE II. Identifiers: Orphanet 6, MedGen C1859499, MONDO:0008862, OMIM 210210.

Submission:

Labcorp Genetics (formerly Invitae), Labcorp
Classification: Uncertain significance for 3-methylcrotonyl-CoA carboxylase 2 deficiency. Last evaluated: 2023-05-02. Review status: criteria provided, single submitter. Criteria: Invitae Variant Classification Sherloc (09022015). Collection method: clinical testing. Allele origin: germline.
Comment: This variant is not present in population databases (gnomAD no frequency). In summary, the available evidence is currently insufficient to determine the role of this variant in disease. Therefore, it has been classified as a Variant of Uncertain Significance. Advanced modeling of protein sequence and biophysical properties (such as structural, functional, and spatial information, amino acid conservation, physicochemical variation, residue mobility, and thermodynamic stability) performed at Invitae indicates that this missense variant is not expected to disrupt MCCC2 protein function. This variant has not been reported in the literature in individuals affected with MCCC2-related conditions. This sequence change replaces leucine, which is neutral and non-polar, with arginine, which is basic and polar, at codon 41 of the MCCC2 protein (p.Leu41Arg).

NM_022132.5(MCCC2):c.122T>G (p.Leu41Arg)

Gene: MCCC2 (methylcrotonyl-CoA carboxylase subunit 2; plus strand). Cytogenetic location: 5q13.2.
Variant type: single nucleotide variant.
Coding change: c.122T>G on transcript NM_022132.5 (MANE Select); coding-DNA position 122, T replaced by G.
Protein change: p.Leu41Arg; replaces leucine 41 with arginine.
Molecular consequence: missense variant.
Genome position (GRCh38, 1-based): chr5:71,587,547, T>G. VCF-style: chr5-71587547-T-G. GRCh37 (hg19) VCF-style: chr5-70883374-T-G.
Other names: c.122T>G, p.Leu41Arg (NM_001363147.1); short protein forms L41R.
Identifiers: ClinVar variation 2968555 (VCV002968555.3), dbSNP rs1744811824, ClinGen allele CA360002491.